The following is an entry in ClinVar:

ClinVar aggregate classification (germline): Uncertain significance (1 of 4 stars; one submission).

Conditions:
Cutis laxa, autosomal dominant 3 (ADCL3). Identifiers: Orphanet 90348, MedGen C4225268, MONDO:0014706, OMIM 616603.
Autosomal dominant spastic paraplegia type 9. Identifiers: MedGen C1832669, MONDO:0015091.
de Barsy syndrome. Also called: Cutis laxa-corneal clouding-oligophrenia syndrome. Identifiers: Orphanet 2962, MedGen C0268354, MONDO:0017569.

Submission:

Labcorp Genetics (formerly Invitae), Labcorp
Classification: Uncertain significance for Autosomal dominant spastic paraplegia type 9; de Barsy syndrome; Cutis laxa, autosomal dominant 3. Last evaluated: 2023-05-01. Review status: criteria provided, single submitter. Criteria: Invitae Variant Classification Sherloc (09022015). Collection method: clinical testing. Allele origin: germline.
Comment: This variant has not been reported in the literature in individuals affected with ALDH18A1-related conditions. In summary, the available evidence is currently insufficient to determine the role of this variant in disease. Therefore, it has been classified as a Variant of Uncertain Significance. Algorithms developed to predict the effect of sequence changes on RNA splicing suggest that this variant may create or strengthen a splice site. An algorithm developed to predict the effect of missense changes on protein structure and function (PolyPhen-2) suggests that this variant is likely to be tolerated. This variant is not present in population databases (gnomAD no frequency). This sequence change replaces glutamine, which is neutral and polar, with arginine, which is basic and polar, at codon 384 of the ALDH18A1 protein (p.Gln384Arg).

NM_002860.4(ALDH18A1):c.1151A>G (p.Gln384Arg)

Gene: ALDH18A1 (aldehyde dehydrogenase 18 family member A1; minus strand). Cytogenetic location: 10q24.1.
Variant type: single nucleotide variant.
Coding change: c.1151A>G on transcript NM_002860.4 (MANE Select); coding-DNA position 1151, A replaced by G.
Protein change: p.Gln384Arg; replaces glutamine 384 with arginine.
Molecular consequence: missense variant.
Genome position (GRCh38, 1-based): chr10:95,626,704, T>C on the plus strand (A>G on the coding strand, the complement: ALDH18A1 is on the minus strand). VCF-style: chr10-95626704-T-C. GRCh37 (hg19) VCF-style: chr10-97386461-T-C.
Other names: c.1145A>G, p.Gln382Arg (NM_001017423.2, NM_001323415.2); c.818A>G, p.Gln273Arg (NM_001323412.2, NM_001323416.2); c.1151A>G, p.Gln384Arg (NM_001323413.2, NM_001323414.2); c.1046A>G, p.Gln349Arg (NM_001323417.2); c.812A>G, p.Gln271Arg (NM_001323418.2); c.515A>G, p.Gln172Arg (NM_001323419.2); short protein forms Q349R, Q172R, Q271R, Q382R, Q273R, Q384R.
Identifiers: ClinVar variation 2933208 (VCV002933208.3), dbSNP rs2526820640, ClinGen allele CA377702897.